The following is an entry in ClinVar:

ClinVar aggregate classification (germline): Uncertain significance (1 of 4 stars; one submission).

Conditions:
Inborn genetic diseases. Identifiers: MedGen C0950123, MeSH D030342.

Submission:

Ambry Genetics
Classification: Uncertain significance for Inborn genetic diseases. Last evaluated: 2025-10-02. Review status: criteria provided, single submitter. Criteria: Ambry Variant Classification Scheme 2023. Collection method: clinical testing. Allele origin: germline.
Comment: The p.Y1253D variant (also known as c.3757T>G), located in coding exon 1 of the SAMD9 gene, results from a T to G substitution at nucleotide position 3757. The tyrosine at codon 1253 is replaced by aspartic acid, an amino acid with highly dissimilar properties. This amino acid position is conserved. In addition, this alteration is predicted to be tolerated by in silico analysis. Based on the available evidence, the clinical significance of this variant remains unclear.

NM_017654.4(SAMD9):c.3757T>G (p.Tyr1253Asp)

Gene: SAMD9 (sterile alpha motif domain containing 9; minus strand). Cytogenetic location: 7q21.2.
Variant type: single nucleotide variant.
Coding change: c.3757T>G on transcript NM_017654.4 (MANE Select); coding-DNA position 3757, T replaced by G.
Protein change: p.Tyr1253Asp; replaces tyrosine 1253 with aspartic acid.
Molecular consequence: missense variant.
Genome position (GRCh38, 1-based): chr7:93,102,341, A>C on the plus strand (T>G on the coding strand, the complement: SAMD9 is on the minus strand). VCF-style: chr7-93102341-A-C. GRCh37 (hg19) VCF-style: chr7-92731654-A-C.
Other names: c.3757T>G, p.Tyr1253Asp (NM_001193307.2); short protein forms Y1253D.
Identifiers: ClinVar variation 4629842 (VCV004629842.1).